The following is an entry in ClinVar:

NM_020831.6(MRTFA):c.781G>C (p.Val261Leu)

Gene: MRTFA (myocardin related transcription factor A; minus strand). Cytogenetic location: 22q13.1.
Variant type: single nucleotide variant.
Coding change: c.781G>C on transcript NM_020831.6 (MANE Select); coding-DNA position 781, G replaced by C.
Protein change: p.Val261Leu; replaces valine 261 with leucine.
Molecular consequence: missense variant. On other transcripts: intron variant (1).
Genome position (GRCh38, 1-based): chr22:40,423,682, C>G on the plus strand (G>C on the coding strand, the complement: MRTFA is on the minus strand). VCF-style: chr22-40423682-C-G. GRCh37 (hg19) VCF-style: chr22-40819686-C-G.
Other names: c.481G>C, p.Val161Leu (NM_001282660.2); c.781G>C, p.Val261Leu (NM_001282662.3); c.586G>C, p.Val196Leu (NM_001318139.2); c.777+524G>C (NM_001282661.3); short protein forms V196L, V161L, V261L.
Identifiers: ClinVar variation 2980131 (VCV002980131.3), dbSNP rs769931431, ClinGen allele CA10249866.

ClinVar aggregate classification (germline): Uncertain significance (1 of 4 stars; one submission).

Allele frequency attached by ClinVar (database versions not stated): ExAC 0.00001.
gnomAD v4.1: 6 of 1,558,420 alleles (0.00039%); highest among the groups gnomAD compares: Non-Finnish European, 0.00052%; no homozygotes.

Submission:

Labcorp Genetics (formerly Invitae), Labcorp
Classification: Uncertain significance. Last evaluated: 2025-10-21. Review status: criteria provided, single submitter. Criteria: Invitae Variant Classification Sherloc (09022015). Collection method: clinical testing. Allele origin: germline.
Comment: This sequence change replaces valine, which is neutral and non-polar, with leucine, which is neutral and non-polar, at codon 161 of the MKL1 protein (p.Val161Leu). This variant is present in population databases (rs769931431, gnomAD 0.001%). This variant has not been reported in the literature in individuals affected with MKL1-related conditions. ClinVar contains an entry for this variant (Variation ID: 2980131). An algorithm developed to predict the effect of missense changes on protein structure and function outputs the following: PolyPhen-2: "Benign". The leucine amino acid residue is found in multiple mammalian species, which suggests that this missense change does not adversely affect protein function. In summary, the available evidence is currently insufficient to determine the role of this variant in disease. Therefore, it has been classified as a Variant of Uncertain Significance.